The following is an entry in ClinVar:

NM_000492.4(CFTR):c.613C>A (p.Pro205Thr)

Gene: CFTR (CF transmembrane conductance regulator; plus strand). Cytogenetic location: 7q31.2.
Variant type: single nucleotide variant.
Coding change: c.613C>A on transcript NM_000492.4 (MANE Select); coding-DNA position 613, C replaced by A.
Protein change: p.Pro205Thr; replaces proline 205 with threonine.
Molecular consequence: missense variant.
Genome position (GRCh38, 1-based): chr7:117,535,281, C>A. VCF-style: chr7-117535281-C-A. GRCh37 (hg19) VCF-style: chr7-117175335-C-A.
Other names: short protein forms P205T.
Identifiers: ClinVar variation 582431 (VCV000582431.11), dbSNP rs121908803, ClinGen allele CA368976821.

ClinVar aggregate classification (germline): Pathogenic/Likely pathogenic. Review status: criteria provided, multiple submitters, no conflicts (2 of 4 stars). 2 submissions from 2 submitters: Pathogenic (1); Likely pathogenic (1). Last evaluated 2025-12-17.

Conditions:
Cystic fibrosis (CF). Also called: MUCOVISCIDOSIS. Identifiers: Orphanet 586, MedGen C0010674, MONDO:0009061, OMIM 219700. Disease mechanism: loss of function.
CFTR-related disorder (CFTR-RD). Also called: CFTR-related disorders; CFTR-related condition. Identifiers: MedGen C5924204, MONDO:7770004.

gnomAD v4.1: 1 of 1,613,542 alleles (0.000062%); highest among the groups gnomAD compares: Non-Finnish European, 0.000085%; no homozygotes.

Submissions (2):

Natera, Inc.
Classification: Likely pathogenic for CFTR-related disorders. Last evaluated: 2025-12-17. Review status: criteria provided, single submitter. Criteria: Natera Variant Classification Schema (03/2026). Collection method: clinical testing. Allele origin: germline.
Comment: The c.613C>A variant in CFTR is a missense variant predicted to cause substitution of proline to threonine at amino acid 205. This variant is rare in the general population with a frequency below the threshold expected for the associated phenotype(s). This variant has been observed in one or more individuals affected with the associated recessive disease, as either homozygous or compound heterozygous with a second variant (PMID: 32429104). A different variant at the same position has been determined to be Pathogenic or Likely Pathogenic. Computational prediction algorithms indicate this variant is likely to affect gene or protein function. Given the available evidence, this variant is classified as Likely Pathogenic.

Labcorp Genetics (formerly Invitae), Labcorp
Classification: Pathogenic for Cystic fibrosis. Last evaluated: 2022-08-16. Review status: criteria provided, single submitter. Criteria: Invitae Variant Classification Sherloc (09022015). Collection method: clinical testing. Allele origin: germline.
Comment: This variant is not present in population databases (gnomAD no frequency). For these reasons, this variant has been classified as Pathogenic. This variant disrupts the p.Pro205 amino acid residue in CFTR. Other variant(s) that disrupt this residue have been determined to be pathogenic (PMID: 7505694, 21097845, 23974870). This suggests that this residue is clinically significant, and that variants that disrupt this residue are likely to be disease-causing. Algorithms developed to predict the effect of missense changes on protein structure and function are either unavailable or do not agree on the potential impact of this missense change (SIFT: "Deleterious"; PolyPhen-2: "Probably Damaging"; Align-GVGD: "Class C0"). ClinVar contains an entry for this variant (Variation ID: 582431). This missense change has been observed in individual(s) with CFTR-related conditions and/or cystic fibrosis (PMID: 32429104; Invitae). In at least one individual the data is consistent with being in trans (on the opposite chromosome) from a pathogenic variant. This sequence change replaces proline, which is neutral and non-polar, with threonine, which is neutral and polar, at codon 205 of the CFTR protein (p.Pro205Thr).

Literature cited by the submitters: PubMed 32429104 (cited by Natera, Inc. and Labcorp Genetics (formerly Invitae), Labcorp); PubMed 7505694 (cited by Labcorp Genetics (formerly Invitae), Labcorp); PubMed 21097845 (cited by Labcorp Genetics (formerly Invitae), Labcorp); PubMed 23974870 (cited by Labcorp Genetics (formerly Invitae), Labcorp).